The following is an entry in ClinVar:

ClinVar aggregate classification (germline): Likely benign. Review status: criteria provided, multiple submitters, no conflicts (2 of 4 stars). 2 submissions from 2 submitters: Likely benign (2). Last evaluated 2023-03-09.

Conditions:
Arrhythmogenic right ventricular cardiomyopathy (ARVD). Also called: Cardiomyopathy, ARVC; Arrhythmogenic right ventricular dysplasia; Arrhythmogenic cardiomyopathy; Arrhythmogenic Right Ventricular Cardiomyopathy (ARVC). Identifiers: Orphanet 247, MedGen C0349788, MeSH D019571, MONDO:0016587. Disease mechanism: loss of function. Inheritance: Various modes of inheritance.
Cardiomyopathy (CMYO). Also called: Cardiomyopathies. Identifiers: Orphanet 167848, MedGen C0878544, MONDO:0004994, HP:0001638. Inheritance: Various modes of inheritance.

Allele frequency attached by ClinVar (database versions not stated): gnomAD exomes below 0.00001.
gnomAD v4.1: 7 of 1,614,106 alleles (0.00043%); highest among the groups gnomAD compares: Non-Finnish European, 0.00059%; no homozygotes.

Submissions (2):

All of Us Research Program, National Institutes of Health
Classification: Likely benign for Arrhythmogenic right ventricular cardiomyopathy. Last evaluated: 2023-03-09. Review status: criteria provided, single submitter. Criteria: ACMG Guidelines, 2015. Collection method: clinical testing. Allele origin: germline. Inheritance: Autosomal dominant inheritance. Observed: 1 variant allele, 1 heterozygote.
Comment: This study involves interpretation of variants in research participants for the purpose of population health screening. Participant phenotype was not available at the time of variant classification. Additional details can be found in publication PMID: 35346344, PMCID: PMC8962531

Color Diagnostics, LLC DBA Color Health
Classification: Likely benign for Cardiomyopathy. Last evaluated: 2021-02-16. Review status: criteria provided, single submitter. Criteria: ACMG Guidelines, 2015. Collection method: clinical testing. Allele origin: germline.

NM_001943.5(DSG2):c.2766A>G (p.Thr922=)

Genes: DSG2 (desmoglein 2; plus strand), DSG2-AS1 (DSG2 antisense RNA 1; minus strand). Cytogenetic location: 18q12.1.
Variant type: single nucleotide variant.
Coding change: c.2766A>G on transcript NM_001943.5 (MANE Select); coding-DNA position 2766, A replaced by G.
Protein change: p.Thr922=; no amino-acid change (threonine 922 retained).
Molecular consequence: synonymous variant.
Genome position (GRCh38, 1-based): chr18:31,546,152, A>G. VCF-style: chr18-31546152-A-G. GRCh37 (hg19) VCF-style: chr18-29126115-A-G.
Identifiers: ClinVar variation 1171879 (VCV001171879.3), dbSNP rs1347885484, ClinGen allele CA503766339.